The following is an entry in ClinVar:

ClinVar aggregate classification (germline): Uncertain significance (1 of 4 stars; one submission).

Allele frequency attached by ClinVar (database versions not stated): gnomAD exomes below 0.00001.
gnomAD v4.1: 2 of 1,614,006 alleles (0.00012%); highest among the groups gnomAD compares: African/African-American, 0.0027%; no homozygotes.

Submission:

Greenwood Genetic Center Diagnostic Laboratories, Greenwood Genetic Center
Classification: Uncertain significance. Last evaluated: 2024-01-04. Review status: criteria provided, single submitter. Criteria: ACMG Guidelines, 2015. Collection method: clinical testing. Allele origin: germline. Affected: yes.
Comment: PM2

NM_014415.4(ZBTB11):c.2945A>G (p.Glu982Gly)

Gene: ZBTB11 (zinc finger and BTB domain containing 11; minus strand). Cytogenetic location: 3q12.3.
Variant type: single nucleotide variant.
Coding change: c.2945A>G on transcript NM_014415.4 (MANE Select); coding-DNA position 2945, A replaced by G.
Protein change: p.Glu982Gly; replaces glutamic acid 982 with glycine.
Molecular consequence: missense variant.
Genome position (GRCh38, 1-based): chr3:101,651,383, T>C on the plus strand (A>G on the coding strand, the complement: ZBTB11 is on the minus strand). VCF-style: chr3-101651383-T-C. GRCh37 (hg19) VCF-style: chr3-101370227-T-C.
Other names: short protein forms E982G.
Identifiers: ClinVar variation 3235737 (VCV003235737.1), dbSNP rs2545757074, ClinGen allele CA353870303.
Genomic context (GRCh38, chr3:101,651,383, plus strand): 5'-GTAGCTGCAACAGCTTCCAGAGCTTCCATAGTTTCTCCTGTCACTACCACAGTCTCAAGT[T>C]CTTGAGGACCACTGCTTTCTTGTTCCTGCATGCCTGCTGTTAAGATGCTAACAGCATGTG-3'
Protein context (NP_055230.2, residues 972-992): MQEQESSGPQ[Glu982Gly]LETVVVTGET